The following is an entry in ClinVar:

ClinVar aggregate classification (germline): Uncertain significance (1 of 4 stars; one submission).

Conditions:
MASTL-related disorder. Also called: MASTL-related condition.

gnomAD v4.1: 1 of 1,614,196 alleles (0.000062%); highest among the groups gnomAD compares: Non-Finnish European, 0.000085%; no homozygotes.

Submission:

PreventionGenetics, part of Exact Sciences
Classification: Uncertain significance for MASTL-related condition. Last evaluated: 2026-03-12. Review status: criteria provided, single submitter. Criteria: ACMG Guidelines, 2015. Collection method: clinical testing. Allele origin: germline.
Comment: The MASTL c.1105C>G variant is predicted to result in the amino acid substitution p.Leu369Val. To our knowledge, this variant has not been reported in the literature or in a large population database (gnomAD), indicating this variant is rare. At this time, the clinical significance of this variant is uncertain due to the absence of conclusive functional and genetic evidence.

NM_001172303.3(MASTL):c.1105C>G (p.Leu369Val)

Gene: MASTL (microtubule associated serine/threonine kinase like; plus strand). Cytogenetic location: 10p12.1.
Variant type: single nucleotide variant.
Coding change: c.1105C>G on transcript NM_001172303.3 (MANE Select); coding-DNA position 1105, C replaced by G.
Protein change: p.Leu369Val; replaces leucine 369 with valine.
Molecular consequence: missense variant. On other transcripts: non-coding transcript variant (1).
Genome position (GRCh38, 1-based): chr10:27,170,064, C>G. VCF-style: chr10-27170064-C-G. GRCh37 (hg19) VCF-style: chr10-27458993-C-G.
Other names: c.1105C>G, p.Leu369Val (NM_001172304.3, NM_001320756.2, NM_001320757.2 and 1 more transcripts); c.622C>G, p.Leu208Val (NM_001372029.1, NM_001372030.1); short protein forms L208V, L369V.
Identifiers: ClinVar variation 4991000 (VCV004991000.1).